The following is an entry in ClinVar:

NM_181882.3(PRX):c.184+2T>C

Gene: PRX (periaxin; minus strand). Cytogenetic location: 19q13.2.
Variant type: single nucleotide variant.
Coding change: c.184+2T>C on transcript NM_181882.3 (MANE Select); the canonical splice donor site of the intron after coding-DNA position 184, T replaced by C.
Molecular consequence: splice donor variant.
Genome position (GRCh38, 1-based): chr19:40,403,704, A>G on the plus strand (T>C on the coding strand, the complement: PRX is on the minus strand). VCF-style: chr19-40403704-A-G. GRCh37 (hg19) VCF-style: chr19-40909611-A-G.
Other names: c.184+2T>C (NM_020956.2); c.469+2T>C (NM_001411127.1).
Identifiers: ClinVar variation 843411 (VCV000843411.12), dbSNP rs2079511684, ClinGen allele CA405901695.

ClinVar aggregate classification (germline): Likely pathogenic. Review status: criteria provided, multiple submitters, no conflicts (2 of 4 stars). 2 submissions from 2 submitters: Likely pathogenic (2). Last evaluated 2023-06-26.

Conditions:
Inborn genetic diseases. Identifiers: MedGen C0950123, MeSH D030342.
Charcot-Marie-Tooth disease type 4. Also called: Charcot-Marie-Tooth, Type 4; Charcot-Marie-Tooth disease, type IV. Identifiers: Orphanet 64749, MedGen C4082197, MONDO:0018995.

Allele frequency attached by ClinVar (database versions not stated): gnomAD exomes below 0.00001.

Submissions (2):

Ambry Genetics
Classification: Likely pathogenic for Inborn genetic diseases. Last evaluated: 2023-06-26. Review status: criteria provided, single submitter. Criteria: Ambry Variant Classification Scheme 2023. Collection method: clinical testing. Allele origin: germline.
Comment: The c.184+2T>C intronic alteration results from a T to C substitution 2 nucleotides after exon 5 (coding exon 2) of the PRX gene. Alterations that disrupt the canonical splice site are expected to cause aberrant splicing, resulting in an abnormal protein or a transcript that is subject to nonsense-mediated mRNA decay. This variant was not reported in population-based cohorts in the Genome Aggregation Database (gnomAD). This variant was detected in the homozygous state in an individual with a clinical diagnosis of Charcot-Marie-Tooth disease (external communication). In silico splice site analysis predicts that this alteration will weaken the native splice donor site. Based on the available evidence, this alteration is classified as likely pathogenic.

Labcorp Genetics (formerly Invitae), Labcorp
Classification: Likely pathogenic for Charcot-Marie-Tooth disease type 4. Last evaluated: 2022-06-09. Review status: criteria provided, single submitter. Criteria: Invitae Variant Classification Sherloc (09022015). Collection method: clinical testing. Allele origin: germline.
Comment: In summary, the currently available evidence indicates that the variant is pathogenic, but additional data are needed to prove that conclusively. Therefore, this variant has been classified as Likely Pathogenic. Algorithms developed to predict the effect of sequence changes on RNA splicing suggest that this variant may disrupt the consensus splice site. ClinVar contains an entry for this variant (Variation ID: 843411). Disruption of this splice site has been observed in individual(s) with Charcot-Marie-Tooth disease (Invitae). This variant is not present in population databases (gnomAD no frequency). This sequence change affects a donor splice site in intron 5 of the PRX gene. It is expected to disrupt RNA splicing. Variants that disrupt the donor or acceptor splice site typically lead to a loss of protein function (PMID: 16199547), and loss-of-function variants in PRX are known to be pathogenic (PMID: 11133365).

Literature cited by the submitters: PubMed 16199547 (cited by Labcorp Genetics (formerly Invitae), Labcorp); PubMed 11133365 (cited by Labcorp Genetics (formerly Invitae), Labcorp).